The following is an entry in ClinVar:

NM_201384.3(PLEC):c.9071A>C (p.Asn3024Thr)

Gene: PLEC (plectin; minus strand). Cytogenetic location: 8q24.3.
Variant type: single nucleotide variant.
Coding change: c.9071A>C on transcript NM_201384.3 (MANE Select); coding-DNA position 9071, A replaced by C.
Protein change: p.Asn3024Thr; replaces asparagine 3024 with threonine.
Molecular consequence: missense variant.
Genome position (GRCh38, 1-based): chr8:143,920,750, T>G on the plus strand (A>C on the coding strand, the complement: PLEC is on the minus strand). VCF-style: chr8-143920750-T-G. GRCh37 (hg19) VCF-style: chr8-144994918-T-G.
Other names: c.9152A>C, p.Asn3051Thr (NM_000445.5); c.9029A>C, p.Asn3010Thr (NM_201378.4); c.9005A>C, p.Asn3002Thr (NM_201379.3); c.9482A>C, p.Asn3161Thr (NM_201380.4); c.8975A>C, p.Asn2992Thr (NM_201381.3); c.9071A>C, p.Asn3024Thr (NM_201382.4); c.9083A>C, p.Asn3028Thr (NM_201383.3); short protein forms N2992T, N3002T, N3010T, N3024T, N3028T, N3051T, N3161T.
Identifiers: ClinVar variation 510766 (VCV000510766.7), dbSNP rs535089650, ClinGen allele CA372514030.

ClinVar aggregate classification (germline): Conflicting classifications of pathogenicity. Review status: criteria provided, conflicting classifications (1 of 4 stars). 2 submissions from 2 submitters: Uncertain significance (1); Likely benign (1). Last evaluated 2025-10-02.

Conditions:
Autosomal recessive limb-girdle muscular dystrophy type 2Q (LGMDR17). Also called: MUSCULAR DYSTROPHY, LIMB-GIRDLE, AUTOSOMAL RECESSIVE 17. Identifiers: Orphanet 254361, MedGen C3150989, MONDO:0013390, OMIM 613723.
Epidermolysis bullosa simplex 5C, with pyloric atresia (EBS5C). Also called: Epidermolysis bullosa simplex with pyloric atresia; PLEC-Related Epidermolysis Bullosa with Pyloric Atresia; PLEC1-Related Epidermolysis Bullosa with Pyloric Atresia. Identifiers: Orphanet 158684, MedGen C2677349, MONDO:0012807, OMIM 612138.
Epidermolysis bullosa simplex 5B, with muscular dystrophy (EBS5B). Also called: EPIDERMOLYSIS BULLOSA SIMPLEX AND LIMB-GIRDLE MUSCULAR DYSTROPHY; Epidermolysis bullosa simplex with muscular dystrophy. Identifiers: Orphanet 257, MedGen C2931072, MONDO:0009181, OMIM 226670.
Epidermolysis bullosa simplex with nail dystrophy (EBS5D). Identifiers: MedGen C4225309, MONDO:0014661, OMIM 616487.
Epidermolysis bullosa simplex, Ogna type (EBS5A). Also called: Pidermolysis bullosa simplex 5A, Ogna type; EPIDERMOLYSIS BULLOSA SIMPLEX 5A, OGNA TYPE. Identifiers: Orphanet 79401, MedGen C0432317, MONDO:0007555, OMIM 131950.

Allele frequency attached by ClinVar (database versions not stated): TOPMed 0.00001.
gnomAD v4.1: 20 of 1,605,344 alleles (0.0012%); highest among the groups gnomAD compares: African/African-American, 0.0027%; no homozygotes.

Submissions (2):

Labcorp Genetics (formerly Invitae), Labcorp
Classification: Uncertain significance for Autosomal recessive limb-girdle muscular dystrophy type 2Q; Epidermolysis bullosa simplex, Ogna type; Epidermolysis bullosa simplex with nail dystrophy; Epidermolysis bullosa simplex 5C, with pyloric atresia; Epidermolysis bullosa simplex 5B, with muscular dystrophy. Last evaluated: 2025-10-02. Review status: criteria provided, single submitter. Criteria: Invitae Variant Classification Sherloc (09022015). Collection method: clinical testing. Allele origin: germline.
Comment: This sequence change replaces asparagine, which is neutral and polar, with threonine, which is neutral and polar, at codon 3051 of the PLEC protein (p.Asn3051Thr). This variant is present in population databases (no rsID available, gnomAD 0.004%). This variant has not been reported in the literature in individuals affected with PLEC-related conditions. ClinVar contains an entry for this variant (Variation ID: 510766). Invitae Evidence Modeling of protein sequence and biophysical properties (such as structural, functional, and spatial information, amino acid conservation, physicochemical variation, residue mobility, and thermodynamic stability) has been performed for this missense variant. However, the output from this modeling did not meet the statistical confidence thresholds required to predict the impact of this variant on PLEC protein function. In summary, the available evidence is currently insufficient to determine the role of this variant in disease. Therefore, it has been classified as a Variant of Uncertain Significance.

GeneDx
Classification: Likely benign. Last evaluated: 2017-07-10. Review status: criteria provided, single submitter. Criteria: GeneDx Variant Classification (06012015). Collection method: clinical testing. Allele origin: germline. Affected: yes.
Comment: This variant is considered likely benign or benign based on one or more of the following criteria: it is a conservative change, it occurs at a poorly conserved position in the protein, it is predicted to be benign by multiple in silico algorithms, and/or has population frequency not consistent with disease.